The following is an entry in ClinVar:

NM_001082486.1(ACD):c.31A>T (p.Met11Leu)

Gene: ACD (ACD shelterin complex subunit and telomerase recruitment factor; minus strand). Cytogenetic location: 16q22.1.
Variant type: single nucleotide variant.
Coding change: c.31A>T on transcript NM_001082486.1; coding-DNA position 31, A replaced by T.
Protein change: p.Met11Leu; replaces methionine 11 with leucine.
Genome position (GRCh38, 1-based): chr16:67,660,448, T>A on the plus strand (A>T on the coding strand, the complement: ACD is on the minus strand). VCF-style: chr16-67660448-T-A. GRCh37 (hg19) VCF-style: chr16-67694351-T-A.
Other names: short protein forms M11L.
Identifiers: ClinVar variation 3232666 (VCV003232666.1), dbSNP rs769875441, ClinGen allele CA396360212.

ClinVar aggregate classification (germline): Uncertain significance (1 of 4 stars; one submission).

Conditions:
Inborn genetic diseases. Identifiers: MedGen C0950123, MeSH D030342.

Submission:

Ambry Genetics
Classification: Uncertain significance for Inborn genetic diseases. Last evaluated: 2023-09-25. Review status: criteria provided, single submitter. Criteria: Ambry Variant Classification Scheme 2023. Collection method: clinical testing. Allele origin: germline.
Comment: The p.M11L variant (also known as c.31A>T), located in coding exon 1 of the ACD gene, results from an A to T substitution at nucleotide position 31. The methionine at codon 11 is replaced by leucine, an amino acid with highly similar properties. This amino acid position is conserved. In addition, this alteration is predicted to be tolerated by in silico analysis. Since supporting evidence is limited at this time, the clinical significance of this alteration remains unclear.